The following is an entry in ClinVar:

NM_014639.4(SKIC3):c.1782C>A (p.Asp594Glu)

Gene: SKIC3 (SKI3 subunit of superkiller complex; minus strand). Cytogenetic location: 5q15.
Variant type: single nucleotide variant.
Coding change: c.1782C>A on transcript NM_014639.4 (MANE Select); coding-DNA position 1782, C replaced by A.
Protein change: p.Asp594Glu; replaces aspartic acid 594 with glutamic acid.
Molecular consequence: missense variant.
Genome position (GRCh38, 1-based): chr5:95,522,283, G>T on the plus strand (C>A on the coding strand, the complement: SKIC3 is on the minus strand). VCF-style: chr5-95522283-G-T. GRCh37 (hg19) VCF-style: chr5-94857987-G-T.
Other names: short protein forms D594E.
Identifiers: ClinVar variation 1477101 (VCV001477101.6), dbSNP rs761775657, ClinGen allele CA3347235.

ClinVar aggregate classification (germline): Uncertain significance (1 of 4 stars; one submission).

Allele frequency attached by ClinVar (database versions not stated): gnomAD 0.00001.
gnomAD v4.1: 3 of 1,613,392 alleles (0.00019%); highest among the groups gnomAD compares: Non-Finnish European, 0.00025%; no homozygotes.

Submission:

Labcorp Genetics (formerly Invitae), Labcorp
Classification: Uncertain significance. Last evaluated: 2021-06-10. Review status: criteria provided, single submitter. Criteria: Invitae Variant Classification Sherloc (09022015). Collection method: clinical testing. Allele origin: germline.
Comment: In summary, the available evidence is currently insufficient to determine the role of this variant in disease. Therefore, it has been classified as a Variant of Uncertain Significance. Algorithms developed to predict the effect of missense changes on protein structure and function are either unavailable or do not agree on the potential impact of this missense change (SIFT: "Deleterious"; PolyPhen-2: "Probably Damaging"; Align-GVGD: "Class C0"). This variant has not been reported in the literature in individuals with TTC37-related conditions. This variant is present in population databases (rs761775657, ExAC 0.002%). This sequence change replaces aspartic acid with glutamic acid at codon 594 of the TTC37 protein (p.Asp594Glu). The aspartic acid residue is highly conserved and there is a small physicochemical difference between aspartic acid and glutamic acid.